The following is an entry in ClinVar:

ClinVar aggregate classification (germline): Uncertain significance (1 of 4 stars; one submission).

Conditions:
Familial thoracic aortic aneurysm and aortic dissection (TAAD). Also called: Thoracic aortic aneurysms and dissections. Identifiers: Orphanet 91387, MedGen C4707243, MONDO:0019625.

gnomAD v4.1: 3 of 1,614,136 alleles (0.00019%); highest among the groups gnomAD compares: Admixed American, 0.0033%; no homozygotes.

Submission:

Ambry Genetics
Classification: Uncertain significance for Familial thoracic aortic aneurysm and aortic dissection. Last evaluated: 2025-06-01. Review status: criteria provided, single submitter. Criteria: Ambry Variant Classification Scheme 2023. Collection method: clinical testing. Allele origin: germline.
Comment: The p.G65V variant (also known as c.194G>T), located in coding exon 2 of the SLC2A10 gene, results from a G to T substitution at nucleotide position 194. The glycine at codon 65 is replaced by valine, an amino acid with dissimilar properties. This amino acid position is conserved. In addition, this alteration is predicted to be deleterious by in silico analysis. Since supporting evidence is limited at this time, the clinical significance of this alteration remains unclear.

NM_030777.4(SLC2A10):c.194G>T (p.Gly65Val)

Gene: SLC2A10 (solute carrier family 2 member 10; plus strand). Cytogenetic location: 20q13.12.
Variant type: single nucleotide variant.
Coding change: c.194G>T on transcript NM_030777.4 (MANE Select); coding-DNA position 194, G replaced by T.
Protein change: p.Gly65Val; replaces glycine 65 with valine.
Molecular consequence: missense variant.
Genome position (GRCh38, 1-based): chr20:46,725,230, G>T. VCF-style: chr20-46725230-G-T. GRCh37 (hg19) VCF-style: chr20-45353869-G-T.
Other names: short protein forms G65V.
Identifiers: ClinVar variation 1783201 (VCV001783201.3), dbSNP rs1431510423, ClinGen allele CA409266532.